The following is an entry in ClinVar:

ClinVar aggregate classification (germline): Uncertain significance (1 of 4 stars; one submission).

Allele frequency attached by ClinVar (database versions not stated): gnomAD exomes 0.00001; ExAC 0.00002; gnomAD 0.00005; TOPMed 0.00006; ESP Exome Variant Server 0.00016.
gnomAD v4.1: 18 of 1,614,004 alleles (0.0011%); highest among the groups gnomAD compares: African/African-American, 0.021%; no homozygotes.

Submission:

Labcorp Genetics (formerly Invitae), Labcorp
Classification: Uncertain significance. Last evaluated: 2023-12-20. Review status: criteria provided, single submitter. Criteria: Invitae Variant Classification Sherloc (09022015). Collection method: clinical testing. Allele origin: germline.
Comment: This sequence change replaces lysine, which is basic and polar, with arginine, which is basic and polar, at codon 222 of the POLR1A protein (p.Lys222Arg). This variant is present in population databases (rs372289711, gnomAD 0.02%). This variant has not been reported in the literature in individuals affected with POLR1A-related conditions. Advanced modeling of protein sequence and biophysical properties (such as structural, functional, and spatial information, amino acid conservation, physicochemical variation, residue mobility, and thermodynamic stability) performed at Invitae indicates that this missense variant is not expected to disrupt POLR1A protein function with a negative predictive value of 80%. In summary, the available evidence is currently insufficient to determine the role of this variant in disease. Therefore, it has been classified as a Variant of Uncertain Significance.

NM_015425.6(POLR1A):c.665A>G (p.Lys222Arg)

Gene: POLR1A (RNA polymerase I subunit A; minus strand). Cytogenetic location: 2p11.2.
Variant type: single nucleotide variant.
Coding change: c.665A>G on transcript NM_015425.6 (MANE Select); coding-DNA position 665, A replaced by G.
Protein change: p.Lys222Arg; replaces lysine 222 with arginine.
Molecular consequence: missense variant.
Genome position (GRCh38, 1-based): chr2:86,088,631, T>C on the plus strand (A>G on the coding strand, the complement: POLR1A is on the minus strand). VCF-style: chr2-86088631-T-C. GRCh37 (hg19) VCF-style: chr2-86315754-T-C.
Other names: short protein forms K222R.
Identifiers: ClinVar variation 2969084 (VCV002969084.3), dbSNP rs372289711, ClinGen allele CA1746575.